The following is an entry in ClinVar:

ClinVar aggregate classification (germline): Uncertain significance (1 of 4 stars; one submission).

Conditions:
HSPB3-related condition.

Submission:

PreventionGenetics, part of Exact Sciences
Classification: Uncertain significance for HSPB3-related condition. Last evaluated: 2025-01-25. Review status: criteria provided, single submitter. Criteria: ACMG Guidelines, 2015. Collection method: clinical testing. Allele origin: germline.
Comment: The HSPB3 c.18G>C variant is predicted to result in the amino acid substitution p.Leu6Phe. This variant was reported as a variant of uncertain significance in an individual with suspicion for Charcot-Marie-Tooth disease; however, additional evidence for pathogenicity was not provided (Yalcintepe et al. 2021. PubMed ID: 34169998). This variant has not been reported in a large population database (gnomAD), indicating this variant is rare. At this time, the clinical significance of this variant is uncertain due to the absence of conclusive functional and genetic evidence.

NM_006308.3(HSPB3):c.18G>C (p.Leu6Phe)

Gene: HSPB3 (heat shock protein family B (small) member 3; plus strand). Cytogenetic location: 5q11.2.
Variant type: single nucleotide variant.
Coding change: c.18G>C on transcript NM_006308.3 (MANE Select); coding-DNA position 18, G replaced by C.
Protein change: p.Leu6Phe; replaces leucine 6 with phenylalanine.
Molecular consequence: missense variant.
Genome position (GRCh38, 1-based): chr5:54,455,807, G>C. VCF-style: chr5-54455807-G-C. GRCh37 (hg19) VCF-style: chr5-53751637-G-C.
Other names: short protein forms L6F.
Identifiers: ClinVar variation 4999195 (VCV004999195.1).